The following is an entry in ClinVar:

NM_000051.4(ATM):c.2453T>C (p.Ile818Thr)

Gene: ATM (ATM serine/threonine kinase; plus strand). Cytogenetic location: 11q22.3.
Variant type: single nucleotide variant.
Coding change: c.2453T>C on transcript NM_000051.4 (MANE Select); coding-DNA position 2453, T replaced by C.
Protein change: p.Ile818Thr; replaces isoleucine 818 with threonine.
Molecular consequence: missense variant.
Genome position (GRCh38, 1-based): chr11:108,259,062, T>C. VCF-style: chr11-108259062-T-C. GRCh37 (hg19) VCF-style: chr11-108129789-T-C.
Other names: c.2453T>C, p.Ile818Thr (NM_001351834.2); short protein forms I818T.
Identifiers: ClinVar variation 652984 (VCV000652984.14), dbSNP rs1591551563, ClinGen allele CA382541373.

ClinVar aggregate classification (germline): Uncertain significance. Review status: criteria provided, multiple submitters, no conflicts (2 of 4 stars). 3 submissions from 3 submitters: Uncertain significance (3). Last evaluated 2026-01-07.

Conditions:
Hereditary cancer-predisposing syndrome. Also called: Hereditary Cancer Syndrome; Tumor predisposition; Neoplastic Syndromes, Hereditary; Hereditary neoplastic syndrome. Identifiers: Orphanet 140162, MedGen C0027672, MeSH D009386, MONDO:0015356.
Ataxia-telangiectasia syndrome (AT). Also called: ATAXIA-TELANGIECTASIA, FRESNO VARIANT; Ataxia-telangiectasia, complementation group E; Ataxia telangiectasia (A-T); Cerebello-oculocutaneous telangiectasia; Immunodeficiency with ataxia telangiectasia; LOUIS-BAR SYNDROME. Identifiers: Orphanet 100, MedGen C0004135, MONDO:0008840, OMIM 208900.
Familial cancer of breast. Also called: hereditary breast carcinoma; BREAST CANCER, FAMILIAL; Hereditary breast cancer. Identifiers: Orphanet 227535, MedGen C0346153, MONDO:0016419, OMIM 114480. Disease mechanism: loss of function.

Submissions (3):

Labcorp Genetics (formerly Invitae), Labcorp
Classification: Uncertain significance for Ataxia-telangiectasia syndrome. Last evaluated: 2026-01-07. Review status: criteria provided, single submitter. Criteria: Invitae Variant Classification Sherloc (09022015). Collection method: clinical testing. Allele origin: germline.
Comment: This sequence change replaces isoleucine, which is neutral and non-polar, with threonine, which is neutral and polar, at codon 818 of the ATM protein (p.Ile818Thr). This variant is not present in population databases (gnomAD no frequency). This variant has not been reported in the literature in individuals affected with ATM-related conditions. ClinVar contains an entry for this variant (Variation ID: 652984). Invitae Evidence Modeling of protein sequence and biophysical properties (such as structural, functional, and spatial information, amino acid conservation, physicochemical variation, residue mobility, and thermodynamic stability) indicates that this missense variant is not expected to disrupt ATM protein function with a negative predictive value of 95%. In summary, the available evidence is currently insufficient to determine the role of this variant in disease. Therefore, it has been classified as a Variant of Uncertain Significance.

Helix
Classification: Uncertain significance for Familial cancer of breast. Last evaluated: 2025-09-09. Review status: criteria provided, single submitter. Criteria: ACMG Guidelines, 2015. Collection method: clinical testing. Allele origin: germline. Inheritance: Autosomal dominant inheritance.
Comment: This variant (NM_000051.4:c.2453T>C p.Ile818Thr) results in the substitution of isoleucine with threonine at codon 818 in the ATM protein. It is a rare variant that is absent from the large gnomAD population database (v4.1). To our knowledge, this variant has not been reported in individuals with ATM-related conditions. In silico prediction from REVEL (PMID: 27666373) is indeterminate. This variant is present in ClinVar (Accession: VCV000652984.13). In conclusion, since the available evidence is limited, the clinical significance of this variant is unclear at this time. Therefore, it is classified as a Variant of Uncertain Significance.

Ambry Genetics
Classification: Uncertain significance for Hereditary cancer-predisposing syndrome. Last evaluated: 2025-04-04. Review status: criteria provided, single submitter. Criteria: Ambry Variant Classification Scheme 2023. Collection method: clinical testing. Allele origin: germline.
Comment: The p.I818T variant (also known as c.2453T>C), located in coding exon 15 of the ATM gene, results from a T to C substitution at nucleotide position 2453. The isoleucine at codon 818 is replaced by threonine, an amino acid with similar properties. This amino acid position is well conserved in available vertebrate species. In addition, this alteration is predicted to be deleterious by in silico analysis. Since supporting evidence is limited at this time, the clinical significance of this alteration remains unclear.